The following is an entry in ClinVar:

NM_003835.4(RGS9):c.631C>G (p.Pro211Ala)

Gene: RGS9 (regulator of G protein signaling 9; plus strand). Cytogenetic location: 17q24.1.
Variant type: single nucleotide variant.
Coding change: c.631C>G on transcript NM_003835.4 (MANE Select); coding-DNA position 631, C replaced by G.
Protein change: p.Pro211Ala; replaces proline 211 with alanine.
Molecular consequence: missense variant.
Genome position (GRCh38, 1-based): chr17:65,177,780, C>G. VCF-style: chr17-65177780-C-G. GRCh37 (hg19) VCF-style: chr17-63173898-C-G.
Other names: c.631C>G, p.Pro211Ala (NM_001081955.3, NM_001165933.2); short protein forms P211A.
Identifiers: ClinVar variation 851002 (VCV000851002.9), dbSNP rs772166518, ClinGen allele CA8717750.

ClinVar aggregate classification (germline): Uncertain significance (1 of 4 stars; one submission).

gnomAD v4.1: 1 of 1,614,182 alleles (0.000062%); highest among the groups gnomAD compares: Admixed American, 0.0017%; no homozygotes.

Submission:

Labcorp Genetics (formerly Invitae), Labcorp
Classification: Uncertain significance. Last evaluated: 2024-01-23. Review status: criteria provided, single submitter. Criteria: Invitae Variant Classification Sherloc (09022015). Collection method: clinical testing. Allele origin: germline.
Comment: This sequence change replaces proline, which is neutral and non-polar, with alanine, which is neutral and non-polar, at codon 211 of the RGS9 protein (p.Pro211Ala). This variant is present in population databases (rs772166518, gnomAD 0.003%). This variant has not been reported in the literature in individuals affected with RGS9-related conditions. ClinVar contains an entry for this variant (Variation ID: 851002). Advanced modeling of protein sequence and biophysical properties (such as structural, functional, and spatial information, amino acid conservation, physicochemical variation, residue mobility, and thermodynamic stability) performed at Invitae indicates that this missense variant is not expected to disrupt RGS9 protein function with a negative predictive value of 80%. In summary, the available evidence is currently insufficient to determine the role of this variant in disease. Therefore, it has been classified as a Variant of Uncertain Significance.